The following is an entry in ClinVar:

ClinVar aggregate classification (germline): Benign. Review status: criteria provided, multiple submitters, no conflicts (2 of 4 stars). 2 submissions from 2 submitters: Benign (2). Last evaluated 2018-06-14.

Allele frequency attached by ClinVar (database versions not stated): 1000 Genomes Project 30x 0.19394; 1000 Genomes Project 0.19429; TOPMed 0.25462; gnomAD 0.26848 and 0.27163; ESP Exome Variant Server 0.27267.

Submissions (2):

GeneDx
Classification: Benign. Last evaluated: 2018-06-14. Review status: criteria provided, single submitter. Criteria: GeneDx Variant Classification (06012015). Collection method: clinical testing. Allele origin: germline. Affected: yes.
Comment: This variant is considered likely benign or benign based on one or more of the following criteria: it is a conservative change, it occurs at a poorly conserved position in the protein, it is predicted to be benign by multiple in silico algorithms, and/or has population frequency not consistent with disease.

Breakthrough Genomics
Classification: Benign. Review status: criteria provided, single submitter. Criteria: ACMG Guidelines, 2015. Collection method: not provided. Allele origin: germline. Inheritance: Autosomal recessive inheritance. Affected: yes.

NM_004320.6(ATP2A1):c.*38-68A>C

Gene: ATP2A1 (ATPase sarcoplasmic/endoplasmic reticulum Ca2+ transporting 1; plus strand). Cytogenetic location: 16p11.2.
Variant type: single nucleotide variant.
Coding change: c.*38-68A>C on transcript NM_004320.6 (MANE Select); 68 bases into the intron before 38 bases downstream of the stop codon, A replaced by C.
Molecular consequence: intron variant.
Genome position (GRCh38, 1-based): chr16:28,904,112, A>C. VCF-style: chr16-28904112-A-C. GRCh37 (hg19) VCF-style: chr16-28915433-A-C.
Other names: c.2981-68A>C (NM_173201.5); c.*38-68A>C (NM_001286075.2).
Identifiers: ClinVar variation 678201 (VCV000678201.2), dbSNP rs2071342, ClinGen allele CA14245015.